The following is an entry in ClinVar:

ClinVar aggregate classification (germline): Pathogenic (1 of 4 stars; one submission).

Conditions:
Inherited distal renal tubular acidosis. Also called: Hereditary Distal Renal Tubular Acidosis. Identifiers: MedGen CN380239, MONDO:1060161.

Submission:

Clinical Genetics and Genomics Laboratory, Noor Shahriyar Hospital
Classification: Pathogenic for Inherited distal renal tubular acidosis. Last evaluated: 2015-05-05. Review status: criteria provided, single submitter. Criteria: ACMG Guidelines, 2015. Collection method: clinical testing. Allele origin: de novo. Affected: yes.
Comment: The NM_000342.4(kAE1):c.1809_1858del, is a nonsense variant in SLC4A1 which is predicted to result in dRTA1 due to a premature stop codon at position 645, and likely results in an absent or disrupted protein product (2015 ACMG guidelines).

Literature cited by the submitters: PubMed 25957428.

NM_000342.4(SLC4A1):c.1809_1858del (p.Val604fs)

Gene: SLC4A1 (solute carrier family 4 member 1 (Diego blood group); minus strand). Cytogenetic location: 17q21.31.
Variant type: Deletion.
Coding change: c.1809_1858del on transcript NM_000342.4 (MANE Select); coding-DNA positions 1809 to 1858, 50 bases deleted.
Protein change: p.Val604fs; shifts the reading frame from valine 604.
Molecular consequence: frameshift variant.
Genome position (GRCh38, 1-based): chr17:44,255,239-44,255,288, 50 bases deleted; deleting any 50 consecutive bases within chr17:44,255,239-44,255,289 gives the same sequence; the c. name uses the placement nearest the transcript's 3' end. GRCh37 (hg19): chr17:42,332,608-42,332,657.
Other names: short protein forms V604fs.
Identifiers: ClinVar variation 4533256 (VCV004533256.1).